The following is an entry in ClinVar:

NM_000038.6(APC):c.4719A>C (p.Glu1573Asp)

Gene: APC (APC regulator of Wnt signaling pathway; plus strand). Cytogenetic location: 5q22.2.
Variant type: single nucleotide variant.
Coding change: c.4719A>C on transcript NM_000038.6 (MANE Select); coding-DNA position 4719, A replaced by C.
Protein change: p.Glu1573Asp; replaces glutamic acid 1573 with aspartic acid.
Molecular consequence: missense variant.
Genome position (GRCh38, 1-based): chr5:112,840,313, A>C. VCF-style: chr5-112840313-A-C. GRCh37 (hg19) VCF-style: chr5-112176010-A-C.
Other names: c.4719A>C (NM_000038.5); c.4719A>C, p.Glu1573Asp (NM_001127510.3, NM_001354895.2, NM_001407450.1); c.4665A>C, p.Glu1555Asp (NM_001127511.3); c.4773A>C, p.Glu1591Asp (NM_001354896.2, NM_001407447.1, NM_001407448.1 and 1 more transcripts); c.4749A>C, p.Glu1583Asp (NM_001354897.2); c.4644A>C, p.Glu1548Asp (NM_001354898.2); c.4635A>C, p.Glu1545Asp (NM_001354899.2); c.4596A>C, p.Glu1532Asp (NM_001354900.2); and 12 more; short protein forms E1413D, E1532D, E1545D, E1290D, E1482D, E1472D, E1490D, E1548D.
Identifiers: ClinVar variation 2080747 (VCV002080747.5), dbSNP rs1266445232, ClinGen allele CA16031680.

ClinVar aggregate classification (germline): Uncertain significance. Review status: criteria provided, multiple submitters, no conflicts (2 of 4 stars). 2 submissions from 2 submitters: Uncertain significance (2). Last evaluated 2023-10-11.

Conditions:
Familial adenomatous polyposis 1 (FAP1). Also called: FAMILIAL ADENOMATOUS POLYPOSIS 1, ATTENUATED; POLYPOSIS, ADENOMATOUS INTESTINAL. Identifiers: MedGen C2713442, MONDO:0021056, OMIM 175100. Disease mechanism: loss of function.
Hereditary cancer-predisposing syndrome. Also called: Tumor predisposition; Neoplastic Syndromes, Hereditary; Hereditary Cancer Syndrome; Hereditary neoplastic syndrome. Identifiers: Orphanet 140162, MedGen C0027672, MeSH D009386, MONDO:0015356.

Allele frequency attached by ClinVar (database versions not stated): gnomAD exomes below 0.00001; gnomAD 0.00001; TOPMed 0.00006.
gnomAD v4.1: 2 of 1,614,114 alleles (0.00012%); highest among the groups gnomAD compares: Admixed American, 0.0033%; no homozygotes.

Submissions (2):

Ambry Genetics
Classification: Uncertain significance for Hereditary cancer-predisposing syndrome. Last evaluated: 2023-10-11. Review status: criteria provided, single submitter. Criteria: Ambry Variant Classification Scheme 2023. Collection method: clinical testing. Allele origin: germline.
Comment: The p.E1573D variant (also known as c.4719A>C), located in coding exon 15 of the APC gene, results from an A to C substitution at nucleotide position 4719. The glutamic acid at codon 1573 is replaced by aspartic acid, an amino acid with highly similar properties. This amino acid position is conserved. In addition, in silico predictors for this gene do not accurately predict pathogenicity. Since supporting evidence is limited at this time, the clinical significance of this alteration remains unclear.

Labcorp Genetics (formerly Invitae), Labcorp
Classification: Uncertain significance for Familial adenomatous polyposis 1. Last evaluated: 2022-07-02. Review status: criteria provided, single submitter. Criteria: Invitae Variant Classification Sherloc (09022015). Collection method: clinical testing. Allele origin: germline.
Comment: Algorithms developed to predict the effect of missense changes on protein structure and function (SIFT, PolyPhen-2, Align-GVGD) all suggest that this variant is likely to be tolerated. This variant has not been reported in the literature in individuals affected with APC-related conditions. This variant is present in population databases (no rsID available, gnomAD 0.003%). This sequence change replaces glutamic acid, which is acidic and polar, with aspartic acid, which is acidic and polar, at codon 1573 of the APC protein (p.Glu1573Asp). In summary, the available evidence is currently insufficient to determine the role of this variant in disease. Therefore, it has been classified as a Variant of Uncertain Significance.